The following is an entry in ClinVar:

NM_000383.4(AIRE):c.1A>T (p.Met1Leu)

Gene: AIRE (autoimmune regulator; plus strand). Cytogenetic location: 21q22.3.
Variant type: single nucleotide variant.
Coding change: c.1A>T on transcript NM_000383.4 (MANE Select); coding-DNA position 1, A replaced by T.
Protein change: p.Met1Leu; changes the start codon (methionine 1).
Molecular consequence: missense variant, initiator codon variant.
Genome position (GRCh38, 1-based): chr21:44,286,007, A>T. VCF-style: chr21-44286007-A-T. GRCh37 (hg19) VCF-style: chr21-45705890-A-T.
Other names: short protein forms M1L.
Identifiers: ClinVar variation 3314 (VCV000003314.58), dbSNP rs121434258, ClinGen allele CA116147.

ClinVar aggregate classification (germline): Pathogenic. Review status: criteria provided, multiple submitters, no conflicts (2 of 4 stars). 5 submissions from 5 submitters: Pathogenic (3). 2 of the submissions do not count toward it. Last evaluated 2024-03-22.

Conditions:
Polyglandular autoimmune syndrome, type 1 (APS1). Also called: Autoimmune polyendocrinopathy syndrome, type I; AUTOIMMUNE POLYENDOCRINE SYNDROME, TYPE I, WITH OR WITHOUT REVERSIBLE METAPHYSEAL DYSPLASIA; APS I; Whitaker syndrome; PGA I; Autoimmune polyendocrine syndrome type 1. Identifiers: Orphanet 3453, MedGen C0085859, MONDO:0009411, OMIM 240300.

Allele frequency attached by ClinVar (database versions not stated): gnomAD 0.00001; TOPMed 0.00002.

Submissions (5):

Natera, Inc.
Classification: Pathogenic for Polyglandular autoimmune syndrome type 1. Last evaluated: 2024-03-22. Review status: criteria provided, single submitter. Criteria: Natera Variant Classification Schema (03/2026). Collection method: clinical testing. Allele origin: germline.
Comment: The c.1A>T variant in AIRE is predicted to result in start loss due to disruption of the initiator methionine. This variant is expected to result in nonsense mediated decay, truncation, or a dysfunctional protein product. This variant is rare in the general population with a frequency below the threshold expected for the associated phenotype(s). This variant has been observed in one or more individuals affected with the associated recessive disease, as either homozygous or compound heterozygous with a second variant (PMID: 30287219, 16965330). Given the available evidence, this variant is classified as Pathogenic.

Labcorp Genetics (formerly Invitae), Labcorp
Classification: Pathogenic for Polyglandular autoimmune syndrome, type 1. Last evaluated: 2023-08-16. Review status: criteria provided, single submitter. Criteria: Invitae Variant Classification Sherloc (09022015). Collection method: clinical testing. Allele origin: germline.
Comment: This sequence change affects the initiator methionine of the AIRE mRNA. The next in-frame methionine is located at codon 184. This variant is not present in population databases (gnomAD no frequency). Disruption of the initiator codon has been observed in individuals with autosomal recessive autoimmune polyendocrinopathy syndrome (PMID: 16965330, 19758376, 20407228, 28446514, 28911151). ClinVar contains an entry for this variant (Variation ID: 3314). For these reasons, this variant has been classified as Pathogenic.

CeGaT Center for Human Genetics Tuebingen
Classification: Pathogenic. Last evaluated: 2019-08-01. Review status: criteria provided, single submitter. Criteria: CeGaT Center For Human Genetics Tuebingen Variant Classification Criteria Version 2. Collection method: clinical testing. Allele origin: germline. Affected: yes. Observed: 1 variant allele.

Counsyl
Classification: Pathogenic for Polyglandular autoimmune syndrome, type 1. Last evaluated: 2017-08-16. Review status: no assertion criteria provided. Collection method: clinical testing. Allele origin: unknown. Not counted in ClinVar's aggregate classification.

OMIM
Classification: Pathogenic for AUTOIMMUNE POLYENDOCRINOPATHY SYNDROME, TYPE I. Last evaluated: 2006-10-01. Review status: no assertion criteria provided. Collection method: literature only. Allele origin: germline. Not counted in ClinVar's aggregate classification.

Literature cited by the submitters: PubMed 30287219 (cited by Natera, Inc.); PubMed 16965330 (cited by 4 submitters); PubMed 19758376 (cited by Labcorp Genetics (formerly Invitae), Labcorp); PubMed 20407228 (cited by Labcorp Genetics (formerly Invitae), Labcorp); PubMed 28446514 (cited by Labcorp Genetics (formerly Invitae), Labcorp); PubMed 28911151 (cited by Labcorp Genetics (formerly Invitae), Labcorp); PubMed 28567288 (cited by Counsyl).